The following is an entry in ClinVar:

ClinVar aggregate classification (germline): Likely pathogenic (1 of 4 stars; one submission).

Conditions:
New-onset refractory status epilepticus. Identifiers: Orphanet 363558, MedGen C4749462, MONDO:0018199.

Submission:

Institute of Human Genetics, University of Leipzig Medical Center
Classification: Likely pathogenic for New-onset refractory status epilepticus. Last evaluated: 2024-08-07. Review status: criteria provided, single submitter. Criteria: ACMG Guidelines, 2015. Collection method: clinical testing. Allele origin: de novo. Inheritance: Mitochondrial inheritance. Affected: yes.
Comment: Criteria applied: PM2_SUP, PM10_MOD, PS5_STR

NC_012920.1(MT-TW):m.5513G>A

Gene: MT-TW (mitochondrially encoded tRNA tryptophan; plus strand).
Variant type: single nucleotide variant.
Genome position: chrM-5513-G-A.
Identifiers: ClinVar variation 3359048 (VCV003359048.2).